The following is an entry in ClinVar:

NM_003072.5(SMARCA4):c.1031C>T (p.Pro344Leu)

Gene: SMARCA4 (SWI/SNF related BAF chromatin remodeling complex subunit ATPase 4; plus strand). Cytogenetic location: 19p13.2.
Variant type: single nucleotide variant.
Coding change: c.1031C>T on transcript NM_003072.5 (MANE Select); coding-DNA position 1031, C replaced by T.
Protein change: p.Pro344Leu; replaces proline 344 with leucine.
Molecular consequence: missense variant. On other transcripts: non-coding transcript variant (1).
Genome position (GRCh38, 1-based): chr19:10,987,837, C>T. VCF-style: chr19-10987837-C-T. GRCh37 (hg19) VCF-style: chr19-11098513-C-T.
Other names: c.1031C>T, p.Pro344Leu (NM_001128844.3, NM_001128845.2, NM_001128846.2 and 6 more transcripts); short protein forms P344L.
Identifiers: ClinVar variation 1771272 (VCV001771272.2), dbSNP rs2145820045, ClinGen allele CA404058670.

ClinVar aggregate classification (germline): Uncertain significance (1 of 4 stars; one submission).

Conditions:
Hereditary cancer-predisposing syndrome. Also called: Hereditary Cancer Syndrome; Hereditary neoplastic syndrome; Neoplastic Syndromes, Hereditary; Tumor predisposition. Identifiers: Orphanet 140162, MedGen C0027672, MeSH D009386, MONDO:0015356.

Submission:

Ambry Genetics
Classification: Uncertain significance for Hereditary cancer-predisposing syndrome. Last evaluated: 2021-05-06. Review status: criteria provided, single submitter. Criteria: Ambry Variant Classification Scheme 2023. Collection method: clinical testing. Allele origin: germline.
Comment: The p.P344L variant (also known as c.1031C>T), located in coding exon 5 of the SMARCA4 gene, results from a C to T substitution at nucleotide position 1031. The proline at codon 344 is replaced by leucine, an amino acid with similar properties. Missense and in-frame variants in SMARCA4 are known to cause neurodevelopmental disorders; however, such associations with rhabdoid tumor predisposition syndrome including small cell carcinoma of the ovary-hypercalcemic type (SCCOHT) are exceedingly rare (Kosho T et al. Am J Med Genet C Semin Med Genet. 2014 Sep;166C(3):262-75; Jelinic P et al. Nat Genet. 2014 May;46(5):424-6). This amino acid position is not well conserved in available vertebrate species. In addition, this alteration is predicted to be tolerated by in silico analysis. Based on the supporting evidence, the association of this alteration with Coffin-Siris syndrome is unknown; however, the association of this alteration with rhabdoid tumor predisposition syndrome is unlikely.